The following is an entry in ClinVar:

NM_033400.3(ZFHX2):c.2059C>G (p.Pro687Ala)

Genes: THTPA (thiamine triphosphatase; plus strand), ZFHX2 (zinc finger homeobox 2; minus strand). Cytogenetic location: 14q11.2.
Variant type: single nucleotide variant.
Coding change: c.2059C>G on transcript NM_033400.3 (MANE Select); coding-DNA position 2059, C replaced by G.
Protein change: p.Pro687Ala; replaces proline 687 with alanine.
Molecular consequence: missense variant.
Genome position (GRCh38, 1-based): chr14:23,533,067, G>C on the plus strand (C>G on the coding strand, the complement: ZFHX2 is on the minus strand). VCF-style: chr14-23533067-G-C. GRCh37 (hg19) VCF-style: chr14-24002276-G-C.
Other names: short protein forms P687A.
Identifiers: ClinVar variation 2355026 (VCV002355026.12), dbSNP rs540160949, ClinGen allele CA257797568.
Genomic context (GRCh38, chr14:23,533,067, plus strand): 5'-AGGTGGGCAGGCTGTCAGATGAGGAACCCAGGAGCTGACTTGGAGGCAGGTGGGCATCAG[G>C]GGATAGGCTTCCAGGGGCTAGAGGACAGAGACAGATTAGTGGCCCAAGAAAGAAATGGGG-3'
Protein context (NP_207646.2, residues 677-697): FPTSAPGSLS[Pro687Ala]DAHLPPSQLL

ClinVar aggregate classification (germline): Conflicting classifications of pathogenicity. Review status: criteria provided, conflicting classifications (1 of 4 stars). 3 submissions from 3 submitters: Uncertain significance (2); Likely benign (1). Last evaluated 2025-09-01.

Allele frequency attached by ClinVar (database versions not stated): 1000 Genomes Project 0.00020; TOPMed 0.00025; 1000 Genomes Project 30x 0.00031; gnomAD 0.00032; gnomAD exomes 0.00038.
gnomAD v4.1: 569 of 1,530,848 alleles (0.037%); highest among the groups gnomAD compares: Non-Finnish European, 0.046%; no homozygotes.

Submissions (3):

CeGaT Center for Human Genetics Tuebingen
Classification: Likely benign. Last evaluated: 2025-09-01. Review status: criteria provided, single submitter. Criteria: CeGaT Center For Human Genetics Tuebingen Variant Classification Criteria Version 2. Collection method: clinical testing. Allele origin: germline. Affected: yes. Observed: 1 variant allele.
Comment: ZFHX2: BP4

Women's Health and Genetics/Laboratory Corporation of America, LabCorp
Classification: Uncertain significance. Last evaluated: 2025-04-02. Review status: criteria provided, single submitter. Criteria: LabCorp Variant Classification Summary - May 2015. Collection method: clinical testing. Allele origin: germline.
Comment: Variant summary: ZFHX2 c.2059C>G (p.Pro687Ala) results in a non-conservative amino acid change in the encoded protein sequence. Three of four in-silico tools predict a benign effect of the variant on protein function. The variant allele was found at a frequency of 0.00024 in 131002 control chromosomes, predominantly at a frequency of 0.00047 within the Non-Finnish European subpopulation in the gnomAD database. This frequency is not significantly higher than estimated for a pathogenic variant in ZFHX2 causing Indifference to pain, congenital, autosomal dominant, allowing no conclusion about variant significance. To our knowledge, no occurrence of c.2059C>G in individuals affected with Indifference to pain, congenital, autosomal dominant and no experimental evidence demonstrating its impact on protein function have been reported. ClinVar contains an entry for this variant (Variation ID: 2355026). Based on the evidence outlined above, the variant was classified as uncertain significance.

Ambry Genetics
Classification: Uncertain significance. Last evaluated: 2024-12-17. Review status: criteria provided, single submitter. Criteria: Ambry Variant Classification Scheme 2023. Collection method: clinical testing. Allele origin: germline.